The following is an entry in ClinVar:

ClinVar aggregate classification (germline): Uncertain significance (1 of 4 stars; one submission).

Conditions:
Autoimmune lymphoproliferative syndrome type 2B. Also called: AUTOIMMUNE LYMPHOPROLIFERATIVE SYNDROME, TYPE IIB. Identifiers: Orphanet 275517, MedGen C1846545, MONDO:0011804, OMIM 607271.

Allele frequency attached by ClinVar (database versions not stated): ExAC 0.00001; gnomAD exomes 0.00001; TOPMed 0.00002.
gnomAD v4.1: 13 of 1,613,078 alleles (0.00081%); highest among the groups gnomAD compares: Middle Eastern, 0.033%; no homozygotes.

Submission:

Labcorp Genetics (formerly Invitae), Labcorp
Classification: Uncertain significance for Autoimmune lymphoproliferative syndrome type 2B. Last evaluated: 2021-09-06. Review status: criteria provided, single submitter. Criteria: Invitae Variant Classification Sherloc (09022015). Collection method: clinical testing. Allele origin: germline.
Comment: This sequence change replaces arginine with cysteine at codon 107 of the CASP8 protein (p.Arg107Cys). The arginine residue is weakly conserved and there is a large physicochemical difference between arginine and cysteine. This variant is present in population databases (rs773675844, ExAC 0.002%). This variant has not been reported in the literature in individuals affected with CASP8-related conditions. Algorithms developed to predict the effect of missense changes on protein structure and function are either unavailable or do not agree on the potential impact of this missense change (SIFT: "Deleterious"; PolyPhen-2: "Benign"; Align-GVGD: "Class C0"). In summary, the available evidence is currently insufficient to determine the role of this variant in disease. Therefore, it has been classified as a Variant of Uncertain Significance.

NM_001372051.1(CASP8):c.306-1993C>T

Gene: CASP8 (caspase 8; plus strand). Cytogenetic location: 2q33.1.
Variant type: single nucleotide variant.
Coding change: c.306-1993C>T on transcript NM_001372051.1 (MANE Select); 1993 bases into the intron before coding-DNA position 306, C replaced by T.
Molecular consequence: intron variant. On other transcripts: missense variant (1).
Genome position (GRCh38, 1-based): chr2:201,269,523, C>T. VCF-style: chr2-201269523-C-T. GRCh37 (hg19) VCF-style: chr2-202134246-C-T.
Other names: c.319C>T, p.Arg107Cys (NM_001228.5); c.306-1993C>T (NM_001400651.1, NM_001400663.1, NM_001400657.1 and 20 more transcripts); c.-227-1993C>T (NM_001400677.1, NM_001400750.1, NM_001400751.1 and 6 more transcripts); c.-4-1993C>T (NM_001400669.1); c.-306-1993C>T (NM_001400680.1); c.483-1993C>T (NM_001080125.2, NM_001400642.1, NM_001400665.1); c.-408-1993C>T (NM_001400674.1); short protein forms R107C.
Identifiers: ClinVar variation 1461613 (VCV001461613.3), dbSNP rs773675844, ClinGen allele CA2053492.